The following is an entry in ClinVar:

ClinVar aggregate classification (germline): Pathogenic (1 of 4 stars; one submission).

Conditions:
Hypertrophic cardiomyopathy 26. Also called: Cardiomyopathy, familial hypertrophic, 26. Identifiers: Orphanet 75249, MedGen C4310749, MONDO:0014883, OMIM 617047.
Myofibrillar myopathy 5. Also called: Filaminopathy (type); FILAMINOPATHY, AUTOSOMAL DOMINANT. Identifiers: Orphanet 171445, MedGen C1836050, MONDO:0012289, OMIM 609524.
Distal myopathy with posterior leg and anterior hand involvement. Also called: WILLIAMS DISTAL MYOPATHY. Identifiers: Orphanet 63273, MedGen C3279722, MONDO:0013550, OMIM 614065.

Submission:

Labcorp Genetics (formerly Invitae), Labcorp
Classification: Pathogenic for Distal myopathy with posterior leg and anterior hand involvement; Myofibrillar myopathy 5; Hypertrophic cardiomyopathy 26. Last evaluated: 2023-05-03. Review status: criteria provided, single submitter. Criteria: Invitae Variant Classification Sherloc (09022015). Collection method: clinical testing. Allele origin: germline.
Comment: For these reasons, this variant has been classified as Pathogenic. This variant has not been reported in the literature in individuals affected with FLNC-related conditions. This variant is not present in population databases (gnomAD no frequency). This sequence change creates a premature translational stop signal (p.Lys2113Asnfs*14) in the FLNC gene. It is expected to result in an absent or disrupted protein product. Loss-of-function variants in FLNC are known to be pathogenic (PMID: 27908349).

Literature cited by the submitters: PubMed 27908349.

NM_001458.5(FLNC):c.6339del (p.Lys2113fs)

Genes: FLNC (filamin C; plus strand), FLNC-AS1 (FLNC antisense RNA 1; minus strand). Cytogenetic location: 7q32.1.
Variant type: Deletion.
Coding change: c.6339del on transcript NM_001458.5 (MANE Select); coding-DNA position 6339, one base deleted (G; older notation c.6339delG).
Protein change: p.Lys2113fs; shifts the reading frame from lysine 2113.
Molecular consequence: frameshift variant.
Genome position (GRCh38, 1-based): chr7:128,853,599, G deleted. VCF-style (leftmost placement, unchanged base first): chr7-128853598-AG-A. GRCh37 (hg19) VCF-style: chr7-128493652-AG-A.
Other names: c.6240del, p.Lys2080fs (NM_001127487.2); short protein forms K2080fs, K2113fs.
Identifiers: ClinVar variation 2947448 (VCV002947448.3), dbSNP rs2536662367, ClinGen allele CA2740094871.